The following is an entry in ClinVar:

NM_005320.3(H1-3):c.554_556del (p.Lys185_Ala186delinsThr)

Gene: H1-3 (H1.3 linker histone, cluster member; minus strand). Cytogenetic location: 6p22.2.
Variant type: Deletion.
Coding change: c.554_556del on transcript NM_005320.3 (MANE Select); coding-DNA positions 554 to 556, 3 bases deleted (AAG; older notation c.554_556delAAG).
Protein change: p.Lys185_Ala186delinsThr.
Molecular consequence: inframe indel.
Genome position (GRCh38, 1-based): chr6:26,234,378-26,234,380, CTT deleted on the plus strand (AAG on the coding strand, the reverse complement: H1-3 is on the minus strand). VCF-style (leftmost placement, unchanged base first): chr6-26234377-GCTT-G. GRCh37 (hg19) VCF-style: chr6-26234605-GCTT-G.
Identifiers: ClinVar variation 2656310 (VCV002656310.24), dbSNP rs199868143, ClinGen allele CA3670366.
Genomic context (GRCh38, chr6:26,234,377, plus strand): 5'-CCCGACTTAGGCTTGGCCGCCTTGGGCTTAGGGGCTTTGGCCTTAGCTGGACTCTTGGCA[GCTT>G]TTTTTGGCTGAGGTGTTTTCACCTTTTTCGCACTCTTGGCCACTTTCTTGGTCCCAGCAG-3'

ClinVar aggregate classification (germline): Likely benign (1 of 4 stars; one submission).

Allele frequency attached by ClinVar (database versions not stated): 1000 Genomes Project 0.00519; ExAC 0.00574; gnomAD exomes 0.00591; TOPMed 0.00635; gnomAD 0.00736; ESP Exome Variant Server 0.00839.

Submission:

CeGaT Center for Human Genetics Tuebingen
Classification: Likely benign. Last evaluated: 2023-04-01. Review status: criteria provided, single submitter. Criteria: CeGaT Center For Human Genetics Tuebingen Variant Classification Criteria Version 2. Collection method: clinical testing. Allele origin: germline. Affected: yes. Observed: 3 variant alleles.
Comment: H1-3: BS2